The following is an entry in ClinVar:

NM_003468.4(FZD5):c.1182C>A (p.Asn394Lys)

Gene: FZD5 (frizzled class receptor 5; minus strand). Cytogenetic location: 2q33.3.
Variant type: single nucleotide variant.
Coding change: c.1182C>A on transcript NM_003468.4 (MANE Select); coding-DNA position 1182, C replaced by A.
Protein change: p.Asn394Lys; replaces asparagine 394 with lysine.
Molecular consequence: missense variant.
Genome position (GRCh38, 1-based): chr2:207,767,558, G>T on the plus strand (C>A on the coding strand, the complement: FZD5 is on the minus strand). VCF-style: chr2-207767558-G-T. GRCh37 (hg19) VCF-style: chr2-208632282-G-T.
Other names: short protein forms N394K.
Identifiers: ClinVar variation 2409652 (VCV002409652.2), dbSNP rs2470338346, ClinGen allele CA350085410.

ClinVar aggregate classification (germline): Uncertain significance (1 of 4 stars; one submission).

Conditions:
Inborn genetic diseases. Identifiers: MedGen C0950123, MeSH D030342.

Allele frequency attached by ClinVar (database versions not stated): gnomAD exomes below 0.00001.
gnomAD v4.1: 1 of 1,611,208 alleles (0.000062%); no homozygotes.

Submission:

Ambry Genetics
Classification: Uncertain significance for Inborn genetic diseases. Last evaluated: 2022-01-13. Review status: criteria provided, single submitter. Criteria: Ambry Variant Classification Scheme 2023. Collection method: clinical testing. Allele origin: germline.
Comment: The c.1182C>A (p.N394K) alteration is located in exon 2 (coding exon 1) of the FZD5 gene. This alteration results from a C to A substitution at nucleotide position 1182, causing the asparagine (N) at amino acid position 394 to be replaced by a lysine (K). This variant was not reported in population-based cohorts in the Genome Aggregation Database (gnomAD). This amino acid position is well conserved in available vertebrate species. This alteration is predicted to be tolerated by in silico analysis. Based on insufficient or conflicting evidence, the clinical significance of this alteration remains unclear.